The following is an entry in ClinVar:

ClinVar aggregate classification (germline): Pathogenic (1 of 4 stars; one submission).

Allele frequency attached by ClinVar (database versions not stated): TOPMed below 0.00001; gnomAD 0.00001.
gnomAD v4.1: 3 of 1,612,642 alleles (0.00019%); highest among the groups gnomAD compares: African/African-American, 0.0013%; no homozygotes.

Submission:

Labcorp Genetics (formerly Invitae), Labcorp
Classification: Pathogenic. Last evaluated: 2022-10-14. Review status: criteria provided, single submitter. Criteria: Invitae Variant Classification Sherloc (09022015). Collection method: clinical testing. Allele origin: germline.
Comment: This sequence change creates a premature translational stop signal (p.Tyr73*) in the DGKE gene. It is expected to result in an absent or disrupted protein product. Loss-of-function variants in DGKE are known to be pathogenic (PMID: 23274426, 23542698). This variant is present in population databases (no rsID available, gnomAD 0.01%). This variant has not been reported in the literature in individuals affected with DGKE-related conditions. For these reasons, this variant has been classified as Pathogenic.

Literature cited by the submitters: PubMed 23274426; PubMed 23542698.

NM_003647.3(DGKE):c.219C>G (p.Tyr73Ter)

Gene: DGKE (diacylglycerol kinase epsilon; plus strand). Cytogenetic location: 17q22.
Variant type: single nucleotide variant.
Coding change: c.219C>G on transcript NM_003647.3 (MANE Select); coding-DNA position 219, C replaced by G.
Protein change: p.Tyr73Ter; replaces tyrosine 73 with a stop codon.
Molecular consequence: nonsense.
Genome position (GRCh38, 1-based): chr17:56,835,014, C>G. VCF-style: chr17-56835014-C-G. GRCh37 (hg19) VCF-style: chr17-54912375-C-G.
Other names: short protein forms Y73*.
Identifiers: ClinVar variation 2076260 (VCV002076260.1), dbSNP rs1462738297, ClinGen allele CA399921474.